The following is an entry in ClinVar:

ClinVar aggregate classification (germline): Uncertain significance (1 of 4 stars; one submission).

gnomAD v4.1: 22 of 1,613,864 alleles (0.0014%); highest among the groups gnomAD compares: East Asian, 0.013%; 1 homozygote.

Submission:

Labcorp Genetics (formerly Invitae), Labcorp
Classification: Uncertain significance. Last evaluated: 2025-10-24. Review status: criteria provided, single submitter. Criteria: Invitae Variant Classification Sherloc (09022015). Collection method: clinical testing. Allele origin: germline.
Comment: This sequence change replaces threonine, which is neutral and polar, with methionine, which is neutral and non-polar, at codon 1341 of the KANK1 protein (p.Thr1341Met). This variant is present in population databases (rs757908060, gnomAD 0.04%). This variant has not been reported in the literature in individuals affected with KANK1-related conditions. An algorithm developed to predict the effect of missense changes on protein structure and function outputs the following: PolyPhen-2: "Benign". The methionine amino acid residue is found in multiple mammalian species, which suggests that this missense change does not adversely affect protein function. In summary, the available evidence is currently insufficient to determine the role of this variant in disease. Therefore, it has been classified as a Variant of Uncertain Significance.

NM_015158.5(KANK1):c.4022C>T (p.Thr1341Met)

Gene: KANK1 (KN motif and ankyrin repeat domains 1; plus strand). Cytogenetic location: 9p24.3.
Variant type: single nucleotide variant.
Coding change: c.4022C>T on transcript NM_015158.5 (MANE Select); coding-DNA position 4022, C replaced by T.
Protein change: p.Thr1341Met; replaces threonine 1341 with methionine.
Molecular consequence: missense variant. On other transcripts: non-coding transcript variant (1).
Genome position (GRCh38, 1-based): chr9:745,198, C>T. VCF-style: chr9-745198-C-T. GRCh37 (hg19) VCF-style: chr9-745198-C-T.
Other names: c.4022C>T, p.Thr1341Met (NM_001256876.3, NM_001256877.3, NM_001354334.2 and 1 more transcripts); c.3782C>T, p.Thr1261Met (NM_001354331.2); c.3968C>T, p.Thr1323Met (NM_001354332.2); c.3548C>T, p.Thr1183Met (NM_001354333.2, NM_001354335.2, NM_001354337.2 and 2 more transcripts); c.3254C>T, p.Thr1085Met (NM_001354336.2, NM_001438411.1); c.3494C>T, p.Thr1165Met (NM_001354338.2, NM_001354340.2, NM_001354344.2); c.3308C>T, p.Thr1103Met (NM_001354339.2, NM_001354342.2, NM_001354343.2); short protein forms T1103M, T1183M, T1323M, T1341M, T1261M, T1085M, T1165M.
Identifiers: ClinVar variation 4708348 (VCV004708348.1).